The following is an entry in ClinVar:

ClinVar aggregate classification (germline): Uncertain significance. Review status: criteria provided, multiple submitters, no conflicts (2 of 4 stars). 3 submissions from 3 submitters: Uncertain significance (3). Last evaluated 2024-06-06.

Conditions:
Hereditary cancer-predisposing syndrome. Also called: Neoplastic Syndromes, Hereditary; Hereditary Cancer Syndrome; Tumor predisposition; Hereditary neoplastic syndrome. Identifiers: Orphanet 140162, MedGen C0027672, MeSH D009386, MONDO:0015356.
Familial meningioma. Also called: Meningioma, familial, susceptibility to. Identifiers: Orphanet 263662, MedGen C3551915, MONDO:0011789, OMIM 607174.

Submissions (3):

Labcorp Genetics (formerly Invitae), Labcorp
Classification: Uncertain significance for Familial meningioma. Last evaluated: 2024-06-06. Review status: criteria provided, single submitter. Criteria: Invitae Variant Classification Sherloc (09022015). Collection method: clinical testing. Allele origin: germline.
Comment: This sequence change replaces proline, which is neutral and non-polar, with threonine, which is neutral and polar, at codon 15 of the SMARCE1 protein (p.Pro15Thr). This variant is not present in population databases (gnomAD no frequency). This variant has not been reported in the literature in individuals affected with SMARCE1-related conditions. ClinVar contains an entry for this variant (Variation ID: 2443407). Advanced modeling of protein sequence and biophysical properties (such as structural, functional, and spatial information, amino acid conservation, physicochemical variation, residue mobility, and thermodynamic stability) performed at Invitae indicates that this missense variant is not expected to disrupt SMARCE1 protein function with a negative predictive value of 80%. In summary, the available evidence is currently insufficient to determine the role of this variant in disease. Therefore, it has been classified as a Variant of Uncertain Significance.

Ambry Genetics
Classification: Uncertain significance for Hereditary cancer-predisposing syndrome. Last evaluated: 2024-04-08. Review status: criteria provided, single submitter. Criteria: Ambry Variant Classification Scheme 2023. Collection method: clinical testing. Allele origin: germline.
Comment: The p.P15T variant (also known as c.43C>A), located in coding exon 2 of the SMARCE1 gene, results from a C to A substitution at nucleotide position 43. The proline at codon 15 is replaced by threonine, an amino acid with highly similar properties. This amino acid position is highly conserved in available vertebrate species. In addition, this alteration is predicted to be tolerated by in silico analysis. Based on the available evidence, the clinical significance of this variant remains unclear.

GeneDx
Classification: Uncertain significance. Last evaluated: 2022-09-09. Review status: criteria provided, single submitter. Criteria: GeneDx Variant Classification Process June 2021. Collection method: clinical testing. Allele origin: germline. Affected: yes.
Comment: Not observed at significant frequency in large population cohorts (gnomAD); In silico analysis supports that this missense variant does not alter protein structure/function; Has not been previously published as pathogenic or benign to our knowledge; This variant is associated with the following publications: (PMID: 19245665)

NM_003079.5(SMARCE1):c.43C>A (p.Pro15Thr)

Gene: SMARCE1 (SWI/SNF related BAF chromatin remodeling complex subunit E1; minus strand). Cytogenetic location: 17q21.2.
Variant type: single nucleotide variant.
Coding change: c.43C>A on transcript NM_003079.5 (MANE Select); coding-DNA position 43, C replaced by A.
Protein change: p.Pro15Thr; replaces proline 15 with threonine.
Molecular consequence: missense variant.
Genome position (GRCh38, 1-based): chr17:40,645,584, G>T on the plus strand (C>A on the coding strand, the complement: SMARCE1 is on the minus strand). VCF-style: chr17-40645584-G-T. GRCh37 (hg19) VCF-style: chr17-38801836-G-T.
Other names: short protein forms P15T.
Identifiers: ClinVar variation 2443407 (VCV002443407.4), dbSNP rs2508617523, ClinGen allele CA399370919.